The following is an entry in ClinVar:

NM_002691.4(POLD1):c.1127A>G (p.Asp376Gly)

Gene: POLD1 (DNA polymerase delta 1, catalytic subunit; plus strand). Cytogenetic location: 19q13.33.
Variant type: single nucleotide variant.
Coding change: c.1127A>G on transcript NM_002691.4 (MANE Select); coding-DNA position 1127, A replaced by G.
Protein change: p.Asp376Gly; replaces aspartic acid 376 with glycine.
Molecular consequence: missense variant. On other transcripts: non-coding transcript variant (1).
Genome position (GRCh38, 1-based): chr19:50,403,209, A>G. VCF-style: chr19-50403209-A-G. GRCh37 (hg19) VCF-style: chr19-50906466-A-G.
Other names: c.1127A>G, p.Asp376Gly (NM_001256849.1, NM_001308632.1); short protein forms D376G.
Identifiers: ClinVar variation 484432 (VCV000484432.15), dbSNP rs1231801192, ClinGen allele CA406978386.

ClinVar aggregate classification (germline): Conflicting classifications of pathogenicity. Review status: criteria provided, conflicting classifications (1 of 4 stars). 4 submissions from 4 submitters: Uncertain significance (3); Likely benign (1). Last evaluated 2025-10-01.

Conditions:
POLD1-related polyposis and colorectal cancer syndrome (CRCS10). Also called: Colorectal cancer 10; COLORECTAL CANCER, SUSCEPTIBILITY TO, ON CHROMOSOME 19q; Colorectal cancer, susceptibility to, 10. Identifiers: Orphanet 220460, MedGen C2675481, MONDO:0012953, OMIM 612591.
Hereditary cancer-predisposing syndrome. Also called: Tumor predisposition; Hereditary Cancer Syndrome; Hereditary neoplastic syndrome; Neoplastic Syndromes, Hereditary. Identifiers: Orphanet 140162, MedGen C0027672, MeSH D009386, MONDO:0015356.

Submissions (4):

Labcorp Genetics (formerly Invitae), Labcorp
Classification: Uncertain significance for POLD1-related polyposis and colorectal cancer syndrome. Last evaluated: 2025-10-01. Review status: criteria provided, single submitter. Criteria: Invitae Variant Classification Sherloc (09022015). Collection method: clinical testing. Allele origin: germline.
Comment: This sequence change replaces aspartic acid, which is acidic and polar, with glycine, which is neutral and non-polar, at codon 376 of the POLD1 protein (p.Asp376Gly). This variant is not present in population databases (gnomAD no frequency). This variant has not been reported in the literature in individuals affected with POLD1-related conditions. ClinVar contains an entry for this variant (Variation ID: 484432). Invitae Evidence Modeling of protein sequence and biophysical properties (such as structural, functional, and spatial information, amino acid conservation, physicochemical variation, residue mobility, and thermodynamic stability) indicates that this missense variant is not expected to disrupt POLD1 protein function with a negative predictive value of 80%. In summary, the available evidence is currently insufficient to determine the role of this variant in disease. Therefore, it has been classified as a Variant of Uncertain Significance.

Ambry Genetics
Classification: Likely benign for Hereditary cancer-predisposing syndrome. Last evaluated: 2025-03-26. Review status: criteria provided, single submitter. Criteria: Ambry Variant Classification Scheme 2023. Collection method: clinical testing. Allele origin: germline.

Baylor Genetics
Classification: Uncertain significance for POLD1-related polyposis and colorectal cancer syndrome. Last evaluated: 2023-06-30. Review status: criteria provided, single submitter. Criteria: ACMG Guidelines, 2015. Collection method: clinical testing. Allele origin: unknown.

GeneDx
Classification: Uncertain significance. Last evaluated: 2019-07-05. Review status: criteria provided, single submitter. Criteria: GeneDx Variant Classification Process June 2021. Collection method: clinical testing. Allele origin: germline. Affected: yes.
Comment: Not observed in large population cohorts (Lek et al., 2016); In silico analysis, which includes protein predictors and evolutionary conservation, supports a deleterious effect; Has not been previously published as pathogenic or benign to our knowledge